The following is an entry in ClinVar:

NM_007255.3(B4GALT7):c.245A>T (p.Glu82Val)

Gene: B4GALT7 (beta-1,4-galactosyltransferase 7; plus strand). Cytogenetic location: 5q35.3.
Variant type: single nucleotide variant.
Coding change: c.245A>T on transcript NM_007255.3 (MANE Select); coding-DNA position 245, A replaced by T.
Protein change: p.Glu82Val; replaces glutamic acid 82 with valine.
Molecular consequence: missense variant.
Genome position (GRCh38, 1-based): chr5:177,604,373, A>T. VCF-style: chr5-177604373-A-T. GRCh37 (hg19) VCF-style: chr5-177031374-A-T.
Other names: short protein forms E82V.
Identifiers: ClinVar variation 3651214 (VCV003651214.2).

ClinVar aggregate classification (germline): Uncertain significance (1 of 4 stars; one submission).

Conditions:
Spondylodysplastic Ehlers-Danlos syndrome. Identifiers: Orphanet 536471, Orphanet 75496, MedGen C5680154, MONDO:0007526.

Submission:

Labcorp Genetics (formerly Invitae), Labcorp
Classification: Uncertain significance for Spondylodysplastic Ehlers-Danlos syndrome. Last evaluated: 2024-04-25. Review status: criteria provided, single submitter. Criteria: Invitae Variant Classification Sherloc (09022015). Collection method: clinical testing. Allele origin: germline.
Comment: This sequence change replaces glutamic acid, which is acidic and polar, with valine, which is neutral and non-polar, at codon 82 of the B4GALT7 protein (p.Glu82Val). This variant is not present in population databases (gnomAD no frequency). This variant has not been reported in the literature in individuals affected with B4GALT7-related conditions. Advanced modeling of protein sequence and biophysical properties (such as structural, functional, and spatial information, amino acid conservation, physicochemical variation, residue mobility, and thermodynamic stability) performed at Invitae indicates that this missense variant is not expected to disrupt B4GALT7 protein function with a negative predictive value of 80%. In summary, the available evidence is currently insufficient to determine the role of this variant in disease. Therefore, it has been classified as a Variant of Uncertain Significance.